The following is an entry in ClinVar:

NM_002878.4(RAD51D):c.577G>A (p.Val193Met)

Genes: RAD51D (RAD51 paralog D; minus strand), RAD51L3-RFFL (RAD51L3-RFFL readthrough; minus strand). Cytogenetic location: 17q12.
Variant type: single nucleotide variant.
Coding change: c.577G>A on transcript NM_002878.4 (MANE Select); coding-DNA position 577, G replaced by A.
Protein change: p.Val193Met; replaces valine 193 with methionine.
Molecular consequence: missense variant. On other transcripts: non-coding transcript variant (3).
Genome position (GRCh38, 1-based): chr17:35,103,544, C>T on the plus strand (G>A on the coding strand, the complement: RAD51D is on the minus strand). VCF-style: chr17-35103544-C-T. GRCh37 (hg19) VCF-style: chr17-33430563-C-T.
Other names: c.637G>A, p.Val213Met (NM_001142571.2); c.241G>A, p.Val81Met (NM_133629.3); short protein forms V213M, V81M, V193M.
Identifiers: ClinVar variation 2775685 (VCV002775685.3), dbSNP rs2142421210, ClinGen allele CA399087998.

ClinVar aggregate classification (germline): Uncertain significance (1 of 4 stars; one submission).

Conditions:
Breast-ovarian cancer, familial, susceptibility to, 4. Identifiers: Orphanet 145, MedGen C3280345, MONDO:0013669, OMIM 614291.

Submission:

Labcorp Genetics (formerly Invitae), Labcorp
Classification: Uncertain significance for Breast-ovarian cancer, familial, susceptibility to, 4. Last evaluated: 2023-10-17. Review status: criteria provided, single submitter. Criteria: Invitae Variant Classification Sherloc (09022015). Collection method: clinical testing. Allele origin: germline.
Comment: This sequence change replaces valine, which is neutral and non-polar, with methionine, which is neutral and non-polar, at codon 193 of the RAD51D protein (p.Val193Met). This variant is not present in population databases (gnomAD no frequency). This variant has not been reported in the literature in individuals affected with RAD51D-related conditions. An algorithm developed to predict the effect of missense changes on protein structure and function (PolyPhen-2) suggests that this variant is likely to be tolerated. In summary, the available evidence is currently insufficient to determine the role of this variant in disease. Therefore, it has been classified as a Variant of Uncertain Significance.